The following is an entry in ClinVar:

NM_003322.6(TULP1):c.630A>G (p.Ser210=)

Gene: TULP1 (TUB like protein 1; minus strand). Cytogenetic location: 6p21.31.
Variant type: single nucleotide variant.
Coding change: c.630A>G on transcript NM_003322.6 (MANE Select); coding-DNA position 630, A replaced by G.
Protein change: p.Ser210=; no amino-acid change (serine 210 retained).
Molecular consequence: synonymous variant.
Genome position (GRCh38, 1-based): chr6:35,509,722, T>C on the plus strand (A>G on the coding strand, the complement: TULP1 is on the minus strand). VCF-style: chr6-35509722-T-C. GRCh37 (hg19) VCF-style: chr6-35477499-T-C.
Other names: c.471A>G, p.Ser157= (NM_001289395.2).
Identifiers: ClinVar variation 1102991 (VCV001102991.33), dbSNP rs143093240, ClinGen allele CA3772854.
Genomic context (GRCh38, chr6:35,509,722, plus strand): 5'-ACTGCCTTCCCCAACCAGAAACATGGCTGCTGGGCTCTTCCTCGCACTGGCTGGGCTCCC[T>C]GAGGGGTCCTTGTCGGCCTCCCCAGACCCTGCATGTGTGGATGTGAAAGCGTCACAACCC-3'
Protein context (NP_003313.3, residues 200-220): KGSGEADKDP[Ser210=]GSPASARKSP

ClinVar aggregate classification (germline): Likely benign. Review status: criteria provided, multiple submitters, no conflicts (2 of 4 stars). 3 submissions from 3 submitters: Likely benign (3). Last evaluated 2026-01-14.

Allele frequency attached by ClinVar (database versions not stated): gnomAD 0.00010 and 0.00011; TOPMed 0.00011; ExAC 0.00016; gnomAD exomes 0.00019 and 0.00037; 1000 Genomes Project 30x 0.00031; 1000 Genomes Project 0.00040.
gnomAD v4.1: 549 of 1,614,088 alleles (0.034%); highest among the groups gnomAD compares: Non-Finnish European, 0.044%; no homozygotes.

Submissions (3):

Labcorp Genetics (formerly Invitae), Labcorp
Classification: Likely benign. Last evaluated: 2026-01-14. Review status: criteria provided, single submitter. Criteria: Invitae Variant Classification Sherloc (09022015). Collection method: clinical testing. Allele origin: germline.

Blueprint Genetics
Classification: Likely benign. Last evaluated: 2024-09-03. Review status: criteria provided, single submitter. Criteria: ACMG Guidelines, 2015. Collection method: clinical testing. Allele origin: germline.

CeGaT Center for Human Genetics Tuebingen
Classification: Likely benign. Last evaluated: 2023-02-01. Review status: criteria provided, single submitter. Criteria: CeGaT Center For Human Genetics Tuebingen Variant Classification Criteria Version 2. Collection method: clinical testing. Allele origin: germline. Affected: yes. Observed: 1 variant allele.
Comment: TULP1: BP4, BP7